The following is an entry in ClinVar:

ClinVar aggregate classification (germline): Likely pathogenic (1 of 4 stars; one submission).

Conditions:
Inborn genetic diseases. Identifiers: MedGen C0950123, MeSH D030342.

Submission:

Ambry Genetics
Classification: Likely pathogenic for Inborn genetic diseases. Last evaluated: 2023-11-30. Review status: criteria provided, single submitter. Criteria: Ambry Variant Classification Scheme 2023. Collection method: clinical testing. Allele origin: germline.
Comment: The c.2518_2519delAC (p.T840Afs*44) alteration, located in exon 4 (coding exon 4) of the BCL11B gene, consists of a deletion of 2 nucleotides from position 2518 to 2519, causing a translational frameshift with a predicted alternate stop codon after 44 amino acids. This alteration occurs at the 3' terminus of the BCL11B gene, is not expected to trigger nonsense-mediated mRNA decay, and impacts the last 6% of the protein. Premature stop codons are typically deleterious in nature, the impacted region is critical for protein function, and a significant portion of the protein is affected (Ambry internal data). This variant was not reported in population-based cohorts in the Genome Aggregation Database (gnomAD). Based on the available evidence, this alteration is classified as likely pathogenic.

NM_138576.4(BCL11B):c.2518_2519del (p.Thr840fs)

Gene: BCL11B (BCL11 transcription factor B; minus strand). Cytogenetic location: 14q32.2.
Variant type: Deletion.
Coding change: c.2518_2519del on transcript NM_138576.4 (MANE Select); coding-DNA positions 2518 to 2519, 2 bases deleted (AC; older notation c.2518_2519delAC).
Protein change: p.Thr840fs; shifts the reading frame from threonine 840.
Molecular consequence: frameshift variant.
Genome position (GRCh38, 1-based): chr14:99,174,317-99,174,318, GT deleted on the plus strand (AC on the coding strand, the reverse complement: BCL11B is on the minus strand); deleting any 2 consecutive bases within chr14:99,174,317-99,174,319 gives the same sequence; the c. name uses the placement nearest the transcript's 3' end. VCF-style (leftmost placement, unchanged base first): chr14-99174316-CGT-C. GRCh37 (hg19) VCF-style: chr14-99640653-CGT-C.
Other names: c.2515_2516del, p.Thr839fs (NM_001282237.2); c.2302_2303del, p.Thr768fs (NM_001282238.2); c.2305_2306del, p.Thr769fs (NM_022898.3); short protein forms T768fs, T769fs, T839fs, T840fs.
Identifiers: ClinVar variation 3133386 (VCV003133386.1), dbSNP rs2503636070, ClinGen allele CA2825002247.
Genomic context (GRCh38, chr14:99,174,316, plus strand): 5'-CTGGCAGATGTCGCAGCGGTACACCTCCTTGCCGATCTGCCCGTGCGTCTTCATGTGGCG[CGT>C]GAGCTTGCTGCTCTGCGCGCACGCGTAGTTGCACAGCTCGCACTTGTAAGGCCGCTCGCC-3'